The following is an entry in ClinVar:

NM_001754.5(RUNX1):c.610C>G (p.Arg204Gly)

Genes: RUNX1 (RUNX family transcription factor 1; minus strand), RUNX1-AS1 (RUNX1 antisense RNA 1; plus strand). Cytogenetic location: 21q22.12.
Variant type: single nucleotide variant.
Coding change: c.610C>G on transcript NM_001754.5 (MANE Select); coding-DNA position 610, C replaced by G.
Protein change: p.Arg204Gly; replaces arginine 204 with glycine.
Molecular consequence: missense variant.
Genome position (GRCh38, 1-based): chr21:34,859,477, G>C on the plus strand (C>G on the coding strand, the complement: RUNX1 is on the minus strand). VCF-style: chr21-34859477-G-C. GRCh37 (hg19) VCF-style: chr21-36231774-G-C.
Other names: NM_001754.5(RUNX1):c.610C>G; p.Arg204Gly; c.529C>G, p.Arg177Gly (NM_001001890.3, NM_001122607.2); short protein forms R177G, R204G.
Identifiers: ClinVar variation 2177591 (VCV002177591.6), dbSNP rs1569061768, ClinGen allele CA410207939.

ClinVar aggregate classification (germline): Likely pathogenic. Review status: reviewed by expert panel (3 of 4 stars). 2 submissions from 2 submitters: Likely pathogenic (1). 1 of the submissions does not count toward it. Last evaluated 2026-10-02.

Conditions:
Hereditary thrombocytopenia and hematologic cancer predisposition syndrome. Identifiers: Orphanet 71290, MedGen CN281654, MONDO:0011071.
Hereditary thrombocytopenia and hematological cancer predisposition syndrome associated with RUNX1. Also called: PLATELET DISORDER, ASPIRIN-LIKE; Familial Platelet Disorder with Propensity to Acute Myelogenous Leukemia; Familial thrombocytopenia with propensity to acute myelogenous leukemia; RUNX1 Familial Platelet Disorder with Associated Myeloid Malignancies. Identifiers: Orphanet 71290, MedGen C1832388, MeSH C563324, MONDO:0100083, OMIM 601399.

Submissions (2):

ClinGen Myeloid Malignancy Variant Curation Expert Panel
Classification: Likely pathogenic for Hereditary thrombocytopenia and hematologic cancer predisposition syndrome. Last evaluated: 2026-10-02. Review status: reviewed by expert panel. Criteria: ClinGen MyeloMalig ACMG Specifications V3.1. Collection method: curation. Allele origin: germline. Inheritance: Autosomal dominant inheritance.
Comment: NM_001754.5(RUNX1):c.610C>G (p.Arg204Gly) is a missense variant which affects one of the hotspot residues (Arg204) within the RHD (amino acids 89-204; PM1_Strong). This variant has a REVEL score ≥ 0.88 (0.89) (PP3) and is completely absent from all population databases with at least 20x coverage for RUNX1 (PM2_Supporting). In summary, this variant meets the criteria to be classified as likely pathogenic. ACMG/AMP criteria applied, as specified by the Myeloid Malignancy Variant Curation Expert Panel for RUNX1: PM1_Strong, PP3, PM2_Supporting.

Labcorp Genetics (formerly Invitae), Labcorp
Classification: Uncertain significance for Hereditary thrombocytopenia and hematological cancer predisposition syndrome associated with RUNX1. Last evaluated: 2022-05-15. Review status: criteria provided, single submitter. Criteria: Invitae Variant Classification Sherloc (09022015). Collection method: clinical testing. Allele origin: germline. Not counted in ClinVar's aggregate classification.
Comment: In summary, the available evidence is currently insufficient to determine the role of this variant in disease. Therefore, it has been classified as a Variant of Uncertain Significance. This variant disrupts the p.Arg204 amino acid residue in RUNX1. Other variant(s) that disrupt this residue have been determined to be pathogenic (PMID: 10068652, 11830488, 19357396, 22012064, 27112265, 32208489). This suggests that this residue is clinically significant, and that variants that disrupt this residue are likely to be disease-causing. Algorithms developed to predict the effect of missense changes on protein structure and function are either unavailable or do not agree on the potential impact of this missense change (SIFT: "Deleterious"; PolyPhen-2: "Possibly Damaging"; Align-GVGD: "Class C0"). This variant has not been reported in the literature in individuals affected with RUNX1-related conditions. This variant is not present in population databases (gnomAD no frequency). This sequence change replaces arginine, which is basic and polar, with glycine, which is neutral and non-polar, at codon 204 of the RUNX1 protein (p.Arg204Gly).

Literature cited by the submitters: PubMed 10068652 (cited by Labcorp Genetics (formerly Invitae), Labcorp); PubMed 11830488 (cited by Labcorp Genetics (formerly Invitae), Labcorp); PubMed 19357396 (cited by Labcorp Genetics (formerly Invitae), Labcorp); PubMed 22012064 (cited by Labcorp Genetics (formerly Invitae), Labcorp); PubMed 27112265 (cited by Labcorp Genetics (formerly Invitae), Labcorp); PubMed 32208489 (cited by Labcorp Genetics (formerly Invitae), Labcorp).